The following is an entry in ClinVar:

NM_144687.4(NLRP12):c.289+6G>C

Gene: NLRP12 (NLR family pyrin domain containing 12; minus strand). Cytogenetic location: 19q13.42.
Variant type: single nucleotide variant.
Coding change: c.289+6G>C on transcript NM_144687.4 (MANE Select); 6 bases into the intron after coding-DNA position 289, G replaced by C.
Molecular consequence: intron variant.
Genome position (GRCh38, 1-based): chr19:53,823,880, C>G on the plus strand (G>C on the coding strand, the complement: NLRP12 is on the minus strand). VCF-style: chr19-53823880-C-G. GRCh37 (hg19) VCF-style: chr19-54327134-C-G.
Other names: c.289+6G>C (NM_001277129.1, NM_001277126.2).
Identifiers: ClinVar variation 4737638 (VCV004737638.1).

ClinVar aggregate classification (germline): Uncertain significance (1 of 4 stars; one submission).

Conditions:
Familial cold autoinflammatory syndrome 2 (FCAS2). Identifiers: Orphanet 247868, MedGen C2673198, MONDO:0012724, OMIM 611762.

gnomAD v4.1: 19 of 1,613,730 alleles (0.0012%); highest among the groups gnomAD compares: Non-Finnish European, 0.0016%; no homozygotes.

Submission:

Labcorp Genetics (formerly Invitae), Labcorp
Classification: Uncertain significance for Familial cold autoinflammatory syndrome 2. Last evaluated: 2025-04-28. Review status: criteria provided, single submitter. Criteria: Invitae Variant Classification Sherloc (09022015). Collection method: clinical testing. Allele origin: germline.
Comment: This sequence change falls in intron 1 of the NLRP12 gene. It does not directly change the encoded amino acid sequence of the NLRP12 protein. It affects a nucleotide within the consensus splice site. This variant is present in population databases (rs759740682, gnomAD 0.006%). This variant has not been reported in the literature in individuals affected with NLRP12-related conditions. Variants that disrupt the consensus splice site are a relatively common cause of aberrant splicing (PMID: 17576681, 9536098). Algorithms developed to predict the effect of sequence changes on RNA splicing suggest that this variant is not likely to affect RNA splicing. In summary, the available evidence is currently insufficient to determine the role of this variant in disease. Therefore, it has been classified as a Variant of Uncertain Significance.

Literature cited by the submitters: PubMed 17576681; PubMed 9536098.